The following is an entry in ClinVar:

ClinVar aggregate classification (germline): Uncertain significance (1 of 4 stars; one submission).

Allele frequency attached by ClinVar (database versions not stated): gnomAD 0.00001; TOPMed 0.00003; 1000 Genomes Project 0.00020; 1000 Genomes Project 30x 0.00031.
gnomAD v4.1: 10 of 1,613,200 alleles (0.00062%); highest among the groups gnomAD compares: South Asian, 0.0044%; no homozygotes.

Submission:

Labcorp Genetics (formerly Invitae), Labcorp
Classification: Uncertain significance. Last evaluated: 2023-11-28. Review status: criteria provided, single submitter. Criteria: Invitae Variant Classification Sherloc (09022015). Collection method: clinical testing. Allele origin: germline.
Comment: This sequence change replaces alanine, which is neutral and non-polar, with threonine, which is neutral and polar, at codon 2847 of the FAT4 protein (p.Ala2847Thr). This variant is present in population databases (rs181821271, gnomAD 0.003%). This variant has not been reported in the literature in individuals affected with FAT4-related conditions. ClinVar contains an entry for this variant (Variation ID: 1461190). Advanced modeling of protein sequence and biophysical properties (such as structural, functional, and spatial information, amino acid conservation, physicochemical variation, residue mobility, and thermodynamic stability) performed at Invitae indicates that this missense variant is not expected to disrupt FAT4 protein function with a negative predictive value of 80%. In summary, the available evidence is currently insufficient to determine the role of this variant in disease. Therefore, it has been classified as a Variant of Uncertain Significance.

NM_001291303.3(FAT4):c.8545G>A (p.Ala2849Thr)

Gene: FAT4 (FAT atypical cadherin 4; plus strand). Cytogenetic location: 4q28.1.
Variant type: single nucleotide variant.
Coding change: c.8545G>A on transcript NM_001291303.3 (MANE Select); coding-DNA position 8545, G replaced by A.
Protein change: p.Ala2849Thr; replaces alanine 2849 with threonine.
Molecular consequence: missense variant.
Genome position (GRCh38, 1-based): chr4:125,449,555, G>A. VCF-style: chr4-125449555-G-A. GRCh37 (hg19) VCF-style: chr4-126370710-G-A.
Other names: c.8545G>A, p.Ala2849Thr (NM_001291285.3); c.8539G>A, p.Ala2847Thr (NM_024582.6); short protein forms A2849T, A2847T.
Identifiers: ClinVar variation 1461190 (VCV001461190.8), dbSNP rs181821271, ClinGen allele CA104881361.
Genomic context (GRCh38, chr4:125,449,555, plus strand): 5'-ATTGTCATAAGCAGACCTTTAAATAGGGAAGATACAGACCGTTACAGAATTCGAGTTTCC[G>A]CACATGATTCTGGGTGGACTGTAAGTACAGATGTCACAATATTTGTGACAGACATCAATG-3'
Protein context (NP_001278232.1, residues 2839-2859): DTDRYRIRVS[Ala2849Thr]HDSGWTVSTD